The following is an entry in ClinVar:

ClinVar aggregate classification (germline): Uncertain significance (0 of 4 stars; one submission).

Conditions:
CEP290-related disorder. Also called: CEP290-related condition; CEP290-related disorders. Identifiers: MedGen CN239314.

gnomAD v4.1: 13 of 1,608,762 alleles (0.00081%); highest among the groups gnomAD compares: Non-Finnish European, 0.0011%; no homozygotes.

Submission:

PreventionGenetics, part of Exact Sciences
Classification: Uncertain significance for CEP290-related condition. Last evaluated: 2024-04-09. Review status: no assertion criteria provided. Collection method: clinical testing. Allele origin: germline.
Comment: The CEP290 c.5968A>G variant is predicted to result in the amino acid substitution p.Lys1990Glu. To our knowledge, this variant has not been reported in the literature or in a large population database, indicating this variant is rare. At this time, the clinical significance of this variant is uncertain due to the absence of conclusive functional and genetic evidence.

NM_025114.4(CEP290):c.5968A>G (p.Lys1990Glu)

Gene: CEP290 (centrosomal protein 290; minus strand). Cytogenetic location: 12q21.32.
Variant type: single nucleotide variant.
Coding change: c.5968A>G on transcript NM_025114.4 (MANE Select); coding-DNA position 5968, A replaced by G.
Protein change: p.Lys1990Glu; replaces lysine 1990 with glutamic acid.
Molecular consequence: missense variant.
Genome position (GRCh38, 1-based): chr12:88,071,337, T>C on the plus strand (A>G on the coding strand, the complement: CEP290 is on the minus strand). VCF-style: chr12-88071337-T-C. GRCh37 (hg19) VCF-style: chr12-88465114-T-C.
Other names: short protein forms K1990E.
Identifiers: ClinVar variation 3354248 (VCV003354248.1).